The following is an entry in ClinVar:

ClinVar aggregate classification (germline): Likely benign. Review status: criteria provided, multiple submitters, no conflicts (2 of 4 stars). 3 submissions from 3 submitters: Likely benign (2). 1 of the submissions does not count toward it. Last evaluated 2026-01-09.

Conditions:
BBS4-related disorder. Also called: BBS4-related condition.
Bardet-Biedl syndrome (BBS). Identifiers: Orphanet 110, MedGen C0752166, MONDO:0015229.

Allele frequency attached by ClinVar (database versions not stated): ExAC 0.00009; gnomAD 0.00011 and 0.00012; gnomAD exomes 0.00013 and 0.00014; TOPMed 0.00013.
gnomAD v4.1: 206 of 1,614,110 alleles (0.013%); highest among the groups gnomAD compares: Admixed American, 0.053%; no homozygotes.

Submissions (3):

Labcorp Genetics (formerly Invitae), Labcorp
Classification: Likely benign for Bardet-Biedl syndrome. Last evaluated: 2026-01-09. Review status: criteria provided, single submitter. Criteria: Invitae Variant Classification Sherloc (09022015). Collection method: clinical testing. Allele origin: germline.

Blueprint Genetics
Classification: Likely benign. Last evaluated: 2024-11-21. Review status: criteria provided, single submitter. Criteria: ACMG Guidelines, 2015. Collection method: clinical testing. Allele origin: germline.

PreventionGenetics, part of Exact Sciences
Classification: Likely benign for BBS4-related condition. Last evaluated: 2020-12-18. Review status: no assertion criteria provided. Collection method: clinical testing. Allele origin: germline. Not counted in ClinVar's aggregate classification.
Comment: This variant is classified as likely benign based on ACMG/AMP sequence variant interpretation guidelines (Richards et al. 2015 PMID: 25741868, with internal and published modifications).

NM_033028.5(BBS4):c.513T>C (p.Tyr171=)

Gene: BBS4 (Bardet-Biedl syndrome 4; plus strand). Cytogenetic location: 15q24.1.
Variant type: single nucleotide variant.
Coding change: c.513T>C on transcript NM_033028.5 (MANE Select); coding-DNA position 513, T replaced by C.
Protein change: p.Tyr171=; no amino-acid change (tyrosine 171 retained).
Molecular consequence: synonymous variant. On other transcripts: 5 prime UTR variant (1), non-coding transcript variant (2).
Genome position (GRCh38, 1-based): chr15:72,724,581, T>C. VCF-style: chr15-72724581-T-C. GRCh37 (hg19) VCF-style: chr15-73016922-T-C.
Other names: c.-4T>C (NM_001252678.2); c.513T>C, p.Tyr171= (NM_001320665.2); c.513T>C (NM_033028.4).
Identifiers: ClinVar variation 1132402 (VCV001132402.12), dbSNP rs367882912, ClinGen allele CA7646661.
Genomic context (GRCh38, chr15:72,724,581, plus strand): 5'-TTGTCAGGCACAAGACCAGTTGCACAATGCCCTGAATCTTAATAGGCACGATCTGACTTA[T>C]ATAATGCTGGGGAAGATCCACTTGCTGGAGGGAGACTTGGACAAGGCCATTGAAGTCTAC-3'
Protein context (NP_149017.2, residues 161-181): ALNLNRHDLT[Tyr171=]IMLGKIHLLE